The following is an entry in ClinVar:

ClinVar aggregate classification (germline): Conflicting classifications of pathogenicity. Review status: criteria provided, conflicting classifications (1 of 4 stars). 2 submissions from 2 submitters: Uncertain significance (1); Likely benign (1). Last evaluated 2024-10-16.

Conditions:
Congenital hyperammonemia, type I. Also called: CPS I DEFICIENCY; Carbamoyl phosphate synthetase I deficiency disease; Carbamoyl-phosphate synthase I deficiency; Carbamoyl phosphate synthetase 1 deficiency; Hyperammonemia due to carbamoyl phosphate synthetase 1 deficiency; CPS 1 deficiency. Identifiers: Orphanet 147, MedGen C4082171, MONDO:0009376, OMIM 237300.

Submissions (2):

Labcorp Genetics (formerly Invitae), Labcorp
Classification: Likely benign for Congenital hyperammonemia, type I. Last evaluated: 2024-10-16. Review status: criteria provided, single submitter. Criteria: Invitae Variant Classification Sherloc (09022015). Collection method: clinical testing. Allele origin: germline.

GeneDx
Classification: Uncertain significance. Last evaluated: 2019-06-21. Review status: criteria provided, single submitter. Criteria: GeneDx Variant Classification Process June 2021. Collection method: clinical testing. Allele origin: germline. Affected: yes.
Comment: Not observed in large population cohorts (Lek et al., 2016); Has not been previously published as pathogenic or benign to our knowledge; In-silico analysis, which includes splice predictors and evolutionary conservation, is inconclusive as to whether the variant alters gene splicing. In the absence of RNA/functional studies, the actual effect of this sequence change is unknown.

NM_001875.5(CPS1):c.382-10_382-7del

Gene: CPS1 (carbamoyl-phosphate synthase 1; plus strand). Cytogenetic location: 2q34.
Variant type: Microsatellite.
Coding change: c.382-10_382-7del on transcript NM_001875.5 (MANE Select); 10 bases into the intron before coding-DNA position 382 through 7 bases into the intron before coding-DNA position 382, 4 bases deleted (GTCT; older notation c.382-10_382-7delGTCT).
Molecular consequence: intron variant.
Genome position (GRCh38, 1-based): chr2:210,577,411-210,577,414, GTCT deleted; deleting any 4 consecutive bases within chr2:210,577,405-210,577,414 gives the same sequence; the c. name uses the placement nearest the transcript's 3' end. VCF-style (leftmost placement, unchanged base first): chr2-210577404-ACTGT-A. GRCh37 (hg19) VCF-style: chr2-211442128-ACTGT-A.
Other names: c.382-10_382-7del (NM_001369257.1, NM_001122633.3); c.415-10_415-7del (NM_001369256.1).
Identifiers: ClinVar variation 1306718 (VCV001306718.6), dbSNP rs1354079241, ClinGen allele CA764158913.
Genomic context (GRCh38, chr2:210,577,404, plus strand): 5'-AACAAATGCAAATTGACTCACAAGAGTTGGATAATATCTTGTGATAACCTCTTTAAAATG[ACTGT>A]CTGTCTTTCTAGGTTTCAGGTTTGCTGGTGCTGGATTATAGTAAAGACTACAACCACTGG-3'